The following is an entry in ClinVar:

ClinVar aggregate classification (germline): Uncertain significance (1 of 4 stars; one submission).

Submission:

Labcorp Genetics (formerly Invitae), Labcorp
Classification: Uncertain significance. Last evaluated: 2024-07-31. Review status: criteria provided, single submitter. Criteria: Invitae Variant Classification Sherloc (09022015). Collection method: clinical testing. Allele origin: germline.
Comment: This sequence change replaces aspartic acid, which is acidic and polar, with asparagine, which is neutral and polar, at codon 1250 of the CACNA1E protein (p.Asp1250Asn). This variant is not present in population databases (gnomAD no frequency). This variant has not been reported in the literature in individuals affected with CACNA1E-related conditions. Advanced modeling of protein sequence and biophysical properties (such as structural, functional, and spatial information, amino acid conservation, physicochemical variation, residue mobility, and thermodynamic stability) has been performed at Invitae for this missense variant, however the output from this modeling did not meet the statistical confidence thresholds required to predict the impact of this variant on CACNA1E protein function. In summary, the available evidence is currently insufficient to determine the role of this variant in disease. Therefore, it has been classified as a Variant of Uncertain Significance.

NM_001205293.3(CACNA1E):c.3748G>A (p.Asp1250Asn)

Gene: CACNA1E (calcium voltage-gated channel subunit alpha1 E; plus strand). Cytogenetic location: 1q25.3.
Variant type: single nucleotide variant.
Coding change: c.3748G>A on transcript NM_001205293.3 (MANE Select); coding-DNA position 3748, G replaced by A.
Protein change: p.Asp1250Asn; replaces aspartic acid 1250 with asparagine.
Molecular consequence: missense variant.
Genome position (GRCh38, 1-based): chr1:181,752,159, G>A. VCF-style: chr1-181752159-G-A. GRCh37 (hg19) VCF-style: chr1-181721295-G-A.
Other names: c.3748G>A, p.Asp1250Asn (NM_000721.4); c.3691G>A, p.Asp1231Asn (NM_001205294.2); short protein forms D1250N, D1231N.
Identifiers: ClinVar variation 3633677 (VCV003633677.2).